The following is an entry in ClinVar:

NM_020921.4(NIN):c.3749T>C (p.Leu1250Pro)

Gene: NIN (ninein; minus strand). Cytogenetic location: 14q22.1.
Variant type: single nucleotide variant.
Coding change: c.3749T>C on transcript NM_020921.4 (MANE Select); coding-DNA position 3749, T replaced by C.
Protein change: p.Leu1250Pro; replaces leucine 1250 with proline.
Molecular consequence: missense variant. On other transcripts: intron variant (1).
Genome position (GRCh38, 1-based): chr14:50,757,281, A>G on the plus strand (T>C on the coding strand, the complement: NIN is on the minus strand). VCF-style: chr14-50757281-A-G. GRCh37 (hg19) VCF-style: chr14-51223999-A-G.
Other names: c.3749T>C, p.Leu1250Pro (NM_182944.3, NM_182946.2); c.2400-2414T>C (NM_016350.5); short protein forms L1250P.
Identifiers: ClinVar variation 435998 (VCV000435998.12), dbSNP rs896607535, ClinGen allele CA260828338.
Genomic context (GRCh38, chr14:50,757,281, plus strand): 5'-TCCATCATTCTCAGCTCTTCCTGAAGGCAGTCATTTTCTCGGCTCACATCTTCATACAAC[A>G]GCTTATATTTGGGAGAAGCCTCAGGGATTCTCTCAAGCATCTTCAGTTTCTTTTTTAGCA-3'
Protein context (NP_065972.4, residues 1240-1260): RIPEASPKYK[Leu1250Pro]LYEDVSREND

ClinVar aggregate classification (germline): Uncertain significance. Review status: criteria provided, multiple submitters, no conflicts (2 of 4 stars). 3 submissions from 3 submitters: Uncertain significance (3). Last evaluated 2025-03-03.

Allele frequency attached by ClinVar (database versions not stated): gnomAD exomes 0.00001 and below 0.00001; gnomAD 0.00007 and 0.00008; TOPMed 0.00022.
gnomAD v4.1: 17 of 1,613,932 alleles (0.0011%); highest among the groups gnomAD compares: Admixed American, 0.022%; no homozygotes.

Submissions (3):

Labcorp Genetics (formerly Invitae), Labcorp
Classification: Uncertain significance. Last evaluated: 2025-03-03. Review status: criteria provided, single submitter. Criteria: Invitae Variant Classification Sherloc (09022015). Collection method: clinical testing. Allele origin: germline.
Comment: This sequence change replaces leucine, which is neutral and non-polar, with proline, which is neutral and non-polar, at codon 1250 of the NIN protein (p.Leu1250Pro). This variant is present in population databases (no rsID available, gnomAD 0.0009%). This variant has not been reported in the literature in individuals affected with NIN-related conditions. ClinVar contains an entry for this variant (Variation ID: 435998). An algorithm developed to predict the effect of missense changes on protein structure and function (PolyPhen-2) suggests that this variant is likely to be disruptive. In summary, the available evidence is currently insufficient to determine the role of this variant in disease. Therefore, it has been classified as a Variant of Uncertain Significance.

Ambry Genetics
Classification: Uncertain significance. Last evaluated: 2023-12-26. Review status: criteria provided, single submitter. Criteria: Ambry Variant Classification Scheme 2023. Collection method: clinical testing. Allele origin: germline.

Genetic Services Laboratory, University of Chicago
Classification: Uncertain significance. Last evaluated: 2017-01-13. Review status: criteria provided, single submitter. Criteria: ACMG Guidelines, 2015. Collection method: clinical testing. Allele origin: germline. Affected: no.